The following is an entry in ClinVar:

NM_000051.4(ATM):c.33C>T (p.Cys11=)

Gene: ATM (ATM serine/threonine kinase; plus strand). Cytogenetic location: 11q22.3.
Variant type: single nucleotide variant.
Coding change: c.33C>T on transcript NM_000051.4 (MANE Select); coding-DNA position 33, C replaced by T.
Protein change: p.Cys11=; no amino-acid change (cysteine 11 retained).
Molecular consequence: synonymous variant.
Genome position (GRCh38, 1-based): chr11:108,227,657, C>T. VCF-style: chr11-108227657-C-T. GRCh37 (hg19) VCF-style: chr11-108098384-C-T.
Other names: c.33C>T, p.Cys11= (NM_001351834.2, NM_001351835.2, NM_001351836.2).
Identifiers: ClinVar variation 485240 (VCV000485240.8), dbSNP rs1555053901, ClinGen allele CA476667965.

ClinVar aggregate classification (germline): Conflicting classifications of pathogenicity. Review status: criteria provided, conflicting classifications (1 of 4 stars). 3 submissions from 3 submitters: Uncertain significance (1); Likely benign (2). Last evaluated 2023-03-01.

Conditions:
Hereditary cancer-predisposing syndrome. Also called: Hereditary neoplastic syndrome; Neoplastic Syndromes, Hereditary; Tumor predisposition; Hereditary Cancer Syndrome. Identifiers: Orphanet 140162, MedGen C0027672, MeSH D009386, MONDO:0015356.
Ataxia-telangiectasia syndrome (AT). Also called: LOUIS-BAR SYNDROME; Cerebello-oculocutaneous telangiectasia; Immunodeficiency with ataxia telangiectasia; AT, COMPLEMENTATION GROUP C; Ataxia-telangiectasia, complementation group D; ATAXIA-TELANGIECTASIA, COMPLEMENTATION GROUP A. Identifiers: Orphanet 100, MedGen C0004135, MONDO:0008840, OMIM 208900.

Submissions (3):

Labcorp Genetics (formerly Invitae), Labcorp
Classification: Uncertain significance for Ataxia-telangiectasia syndrome. Last evaluated: 2023-03-01. Review status: criteria provided, single submitter. Criteria: Invitae Variant Classification Sherloc (09022015). Collection method: clinical testing. Allele origin: germline.
Comment: In summary, the available evidence is currently insufficient to determine the role of this variant in disease. Therefore, it has been classified as a Variant of Uncertain Significance. Algorithms developed to predict the effect of sequence changes on RNA splicing suggest that this variant may disrupt the consensus splice site. ClinVar contains an entry for this variant (Variation ID: 485240). This variant has not been reported in the literature in individuals affected with ATM-related conditions. This variant is not present in population databases (gnomAD no frequency). This sequence change affects codon 11 of the ATM mRNA. It is a 'silent' change, meaning that it does not change the encoded amino acid sequence of the ATM protein.

GeneDx
Classification: Likely benign. Last evaluated: 2017-12-21. Review status: criteria provided, single submitter. Criteria: GeneDx Variant Classification (06012015). Collection method: clinical testing. Allele origin: germline. Affected: yes.
Comment: This variant is considered likely benign or benign based on one or more of the following criteria: it is a conservative change, it occurs at a poorly conserved position in the protein, it is predicted to be benign by multiple in silico algorithms, and/or has population frequency not consistent with disease.

Ambry Genetics
Classification: Likely benign for Hereditary cancer-predisposing syndrome. Last evaluated: 2017-08-04. Review status: criteria provided, single submitter. Criteria: Ambry Variant Classification Scheme 2023. Collection method: clinical testing. Allele origin: germline.